The following is an entry in ClinVar:

NM_000321.3(RB1):c.380+12T>C

Gene: RB1 (RB transcriptional corepressor 1; plus strand). Cytogenetic location: 13q14.2.
Variant type: single nucleotide variant.
Coding change: c.380+12T>C on transcript NM_000321.3 (MANE Select); 12 bases into the intron after coding-DNA position 380, T replaced by C.
Molecular consequence: intron variant.
Genome position (GRCh38, 1-based): chr13:48,342,726, T>C. VCF-style: chr13-48342726-T-C. GRCh37 (hg19) VCF-style: chr13-48916862-T-C.
Identifiers: ClinVar variation 92845 (VCV000092845.19), dbSNP rs3092881, ClinGen allele CA026453.

ClinVar aggregate classification (germline): Benign/Likely benign. Review status: criteria provided, multiple submitters, no conflicts (2 of 4 stars). 10 submissions from 10 submitters: Benign (8); Likely benign (2). Last evaluated 2026-02-04.

Conditions:
Hereditary retinoblastoma. Identifiers: Orphanet 357027, MedGen C0751483, MONDO:0018160.
Retinoblastoma (RB1). Also called: RETINOBLASTOMA, SOMATIC. Identifiers: Orphanet 790, MedGen C0035335, MeSH D012175, MONDO:0008380, OMIM 180200, HP:0009919. Disease mechanism: loss of function. Inheritance: Both sporadic and heritable forms are tested..

Allele frequency attached by ClinVar (database versions not stated): gnomAD exomes 0.00095 and 0.00264; ExAC 0.00322; gnomAD 0.01007 and 0.01087; 1000 Genomes Project 0.01018; ESP Exome Variant Server 0.01077; 1000 Genomes Project 30x 0.01140; TOPMed 0.01146.
gnomAD v4.1: 2,898 of 1,533,144 alleles (0.19%); highest among the groups gnomAD compares: African/African-American, 3.5%; 51 homozygotes.

Submissions (10):

Labcorp Genetics (formerly Invitae), Labcorp
Classification: Benign for Retinoblastoma. Last evaluated: 2026-02-04. Review status: criteria provided, single submitter. Criteria: Invitae Variant Classification Sherloc (09022015). Collection method: clinical testing. Allele origin: germline.

Ramesar Group, Division of Human Genetics, Institute of Infectious Diseases and Molecular Medicine, UCT/MRC Genomic and Precision Medicine Research Unit, University of Cape Town
Classification: Benign for Hereditary retinoblastoma. Last evaluated: 2025-09-17. Review status: criteria provided, single submitter. Criteria: ACMG Guidelines, 2015. Collection method: research. Allele origin: germline. Affected: no.
Comment: RB1 is not associated with the phenotype BP6 - Reported as benign in ClinVar BP7 - A non-coding variant with no predicted effect on splicing (SpliceAI scores are negligible)

Genetic Diagnostic Laboratory, University of Pennsylvania School of Medicine
Classification: Likely benign for Retinoblastoma. Last evaluated: 2024-05-20. Review status: criteria provided, single submitter. Criteria: ACMG Guidelines, 2015. Collection method: clinical testing. Allele origin: germline. Affected: yes. Observed: 1 variant allele.
Comment: Case and Pedigree Information: BILATERAL CASES:0, UNILATERAL CASES:1, TOTAL CASES:1, PEDIGREES:1. ACMG Codes Applied:BS1, BP4

ARUP Laboratories, Molecular Genetics and Genomics, ARUP Laboratories
Classification: Benign. Last evaluated: 2023-11-29. Review status: criteria provided, single submitter. Criteria: ARUP Molecular Germline Variant Investigation Process 2024. Collection method: clinical testing. Allele origin: germline.

KCCC/NGS Laboratory, Kuwait Cancer Control Center
Classification: Benign for Retinoblastoma. Last evaluated: 2023-07-07. Review status: criteria provided, single submitter. Criteria: ACMG Guidelines, 2015. Collection method: clinical testing. Allele origin: germline. Affected: yes.

Illumina Laboratory Services, Illumina
Classification: Benign for Retinoblastoma. Last evaluated: 2018-01-13. Review status: criteria provided, single submitter. Criteria: ICSL Variant Classification Criteria 13 December 2019. Collection method: clinical testing. Allele origin: germline.
Comment: This variant was observed in the ICSL laboratory as part of a predisposition screen in an ostensibly healthy population. It had not been previously curated by ICSL or reported in the Human Gene Mutation Database (HGMD: prior to June 1st, 2018), and was therefore a candidate for classification through an automated scoring system. Utilizing variant allele frequency, disease prevalence and penetrance estimates, and inheritance mode, an automated score was calculated to assess if this variant is too frequent to cause the disease. Based on the score and internal cut-off values, a variant classified as benign is not then subjected to further curation. The score for this variant resulted in a classification of benign for this disease.

GeneDx
Classification: Likely benign. Last evaluated: 2016-12-27. Review status: criteria provided, single submitter. Criteria: GeneDx Variant Classification (06012015). Collection method: clinical testing. Allele origin: germline. Affected: yes.
Comment: This variant is considered likely benign or benign based on one or more of the following criteria: it is a conservative change, it occurs at a poorly conserved position in the protein, it is predicted to be benign by multiple in silico algorithms, and/or has population frequency not consistent with disease.

Women's Health and Genetics/Laboratory Corporation of America, LabCorp
Classification: Benign. Last evaluated: 2016-05-24. Review status: criteria provided, single submitter. Criteria: LabCorp Variant Classification Summary - May 2015. Collection method: clinical testing. Allele origin: germline.
Comment: Variant summary: The RB1 c.380+12T>C variant involves the alteration of a non-conserved intronic nucleotide. One in silico tool predicts a benign outcome for this variant. 5/5 splice prediction tools predict no significant impact on normal splicing. This variant was found in 383/118794 control chromosomes (5 homozygotes) at a frequency of 0.0032241, which is approximately 77 times the estimated maximal expected allele frequency of a pathogenic RB1 variant (0.0000417), suggesting this variant is likely a benign polymorphism. In addition, one clinical diagnostic laboratory classified this variant as benign. Taken together, this variant is classified as benign.

Eurofins Ntd Llc (ga)
Classification: Benign. Last evaluated: 2013-09-06. Review status: criteria provided, single submitter. Criteria: EGL Classification Definitions 2015. Collection method: clinical testing. Allele origin: germline. Observed: 1 variant allele, 1 homozygote.

PreventionGenetics, part of Exact Sciences
Classification: Benign. Review status: criteria provided, single submitter. Criteria: ACMG Guidelines, 2015. Collection method: clinical testing. Allele origin: germline.